The following is an entry in ClinVar:

ClinVar aggregate classification (germline): Likely benign. Review status: criteria provided, multiple submitters, no conflicts (2 of 4 stars). 2 submissions from 2 submitters: Likely benign (2). Last evaluated 2023-05-01.

Allele frequency attached by ClinVar (database versions not stated): 1000 Genomes Project 30x 0.00016; 1000 Genomes Project 0.00020; ExAC 0.00076; gnomAD exomes 0.00078 and 0.00138; gnomAD 0.00095 and 0.00105; TOPMed 0.00096; ESP Exome Variant Server 0.00127.
gnomAD v4.1: 2,171 of 1,612,162 alleles (0.13%); highest among the groups gnomAD compares: Non-Finnish European, 0.17%; 4 homozygotes.

Submissions (2):

CeGaT Center for Human Genetics Tuebingen
Classification: Likely benign. Last evaluated: 2023-05-01. Review status: criteria provided, single submitter. Criteria: CeGaT Center For Human Genetics Tuebingen Variant Classification Criteria Version 2. Collection method: clinical testing. Allele origin: germline. Affected: yes. Observed: 1 variant allele.
Comment: USP34: BP4, BP7

Labcorp Genetics (formerly Invitae), Labcorp
Classification: Likely benign. Last evaluated: 2018-05-05. Review status: criteria provided, single submitter. Criteria: Invitae Variant Classification Sherloc (09022015). Collection method: clinical testing. Allele origin: germline.

NM_014709.4(USP34):c.4479G>A (p.Gly1493=)

Gene: USP34 (ubiquitin specific peptidase 34; minus strand). Cytogenetic location: 2p15.
Variant type: single nucleotide variant.
Coding change: c.4479G>A on transcript NM_014709.4 (MANE Select); coding-DNA position 4479, G replaced by A.
Protein change: p.Gly1493=; no amino-acid change (glycine 1493 retained).
Molecular consequence: synonymous variant.
Genome position (GRCh38, 1-based): chr2:61,293,533, C>T on the plus strand (G>A on the coding strand, the complement: USP34 is on the minus strand). VCF-style: chr2-61293533-C-T. GRCh37 (hg19) VCF-style: chr2-61520668-C-T.
Identifiers: ClinVar variation 725799 (VCV000725799.27), dbSNP rs201262420, ClinGen allele CA1676505.